The following is an entry in ClinVar:

NM_000023.4(SGCA):c.385+167A>G

Gene: SGCA (sarcoglycan alpha; plus strand). Cytogenetic location: 17q21.33.
Variant type: single nucleotide variant.
Coding change: c.385+167A>G on transcript NM_000023.4 (MANE Select); 167 bases into the intron after coding-DNA position 385, A replaced by G.
Molecular consequence: intron variant.
Genome position (GRCh38, 1-based): chr17:50,168,186, A>G. VCF-style: chr17-50168186-A-G. GRCh37 (hg19) VCF-style: chr17-48245547-A-G.
Other names: c.385+167A>G (NM_001135697.3).
Identifiers: ClinVar variation 670060 (VCV000670060.4), dbSNP rs11868160, ClinGen allele CA14422349.

ClinVar aggregate classification (germline): Benign. Review status: criteria provided, multiple submitters, no conflicts (2 of 4 stars). 2 submissions from 2 submitters: Benign (2). Last evaluated 2021-06-10.

Conditions:
Autosomal recessive limb-girdle muscular dystrophy type 2D (LGMDR3). Also called: MUSCULAR DYSTROPHY, LIMB-GIRDLE, AUTOSOMAL RECESSIVE 3; DUCHENNE-LIKE AUTOSOMAL RECESSIVE MUSCULAR DYSTROPHY, TYPE 2; ADHALINOPATHY, PRIMARY. Identifiers: Orphanet 62, MedGen C2936332, MONDO:0011968, OMIM 608099. Disease mechanism: Affects gamma-sarcoglycan and also disrupts the integrity of the entire sarcoglycan complex..

Allele frequency attached by ClinVar (database versions not stated): 1000 Genomes Project 0.12740; 1000 Genomes Project 30x 0.13210; gnomAD 0.15973 and 0.16228; TOPMed 0.16212.
gnomAD v4.1: 24,321 of 152,222 alleles (16%); highest among the groups gnomAD compares: Admixed American, 19%; 1,979 homozygotes.

Submissions (2):

Genome-Nilou Lab
Classification: Benign for Autosomal recessive limb-girdle muscular dystrophy type 2D. Last evaluated: 2021-06-10. Review status: criteria provided, single submitter. Criteria: ACMG Guidelines, 2015. Collection method: clinical testing. Allele origin: germline. Affected: no.

GeneDx
Classification: Benign. Last evaluated: 2018-06-19. Review status: criteria provided, single submitter. Criteria: GeneDx Variant Classification (06012015). Collection method: clinical testing. Allele origin: germline. Affected: yes.
Comment: This variant is considered likely benign or benign based on one or more of the following criteria: it is a conservative change, it occurs at a poorly conserved position in the protein, it is predicted to be benign by multiple in silico algorithms, and/or has population frequency not consistent with disease.